The following is an entry in ClinVar:

ClinVar aggregate classification (germline): Conflicting classifications of pathogenicity. Review status: criteria provided, conflicting classifications (1 of 4 stars). 5 submissions from 5 submitters: Likely pathogenic (1); Uncertain significance (3). 1 of the submissions does not count toward it. Last evaluated 2025-06-27.

Conditions:
Autosomal recessive limb-girdle muscular dystrophy type 2I. Also called: MUSCULAR DYSTROPHY-DYSTROGLYCANOPATHY, LIMB-GIRDLE, FRKP-RELATED; MUSCULAR DYSTROPHY-DYSTROGLYCANOPATHY (LIMB-GIRDLE), TYPE C, 5; MUSCULAR DYSTROPHY, LIMB-GIRDLE, TYPE 2I. Identifiers: Orphanet 34515, MedGen C1846672, MONDO:0011787, OMIM 607155.
Cardiovascular phenotype. Identifiers: MedGen CN230736.
Walker-Warburg congenital muscular dystrophy. Also called: Muscular dystrophy-dystroglycanopathy, type A; Walker-Warburg syndrome. Identifiers: Orphanet 899, MedGen C0265221, MONDO:0000171.
Muscular dystrophy-dystroglycanopathy type B5 (MDDGB5). Also called: MUSCULAR DYSTROPHY-DYSTROGLYCANOPATHY (CONGENITAL WITH OR WITHOUT IMPAIRED INTELLECTUAL DEVELOPMENT), TYPE B, 5; MUSCULAR DYSTROPHY, CONGENITAL, 1C; MUSCULAR DYSTROPHY, CONGENITAL, FKRP-RELATED. Identifiers: MedGen C1847759, MONDO:0011688, OMIM 606612.
Muscular dystrophy-dystroglycanopathy (congenital with brain and eye anomalies), type A1 (MDDGA1). Also called: COD-MD SYNDROME; WALKER-WARBURG SYNDROME OR MUSCLE-EYE-BRAIN DISEASE, POMT1-RELATED; Hydrocephalus, agyria and retinal dysplasia; Hard +/- E syndrome; Warburg syndrome; Chemke syndrome. Identifiers: Orphanet 588, Orphanet 899, MedGen C4284790, MONDO:0009364, OMIM 236670.
Muscular dystrophy-dystroglycanopathy (congenital with brain and eye anomalies), type A5. Also called: MUSCULAR DYSTROPHY-DYSTROGLYCANOPATHY (CONGENITAL WITH BRAIN AND EYE ANOMALIES), TYPE A, 5; WALKER-WARBURG SYNDROME OR MUSCLE-EYE-BRAIN DISEASE, FKRP-RELATED. Identifiers: Orphanet 588, Orphanet 899, MedGen C3150413, MONDO:0013157, OMIM 613153.

Allele frequency attached by ClinVar (database versions not stated): ExAC 0.00001; gnomAD 0.00001; gnomAD exomes below 0.00001; TOPMed 0.00001.

Submissions (5):

GeneDx
Classification: Likely pathogenic. Last evaluated: 2025-06-27. Review status: criteria provided, single submitter. Criteria: GeneDx Variant Classification Process June 2021. Collection method: clinical testing. Allele origin: germline.
Comment: Has not been previously published as pathogenic or benign to our knowledge; Not observed at significant frequency in large population cohorts (gnomAD); In silico analysis suggests that this missense variant does not alter protein structure/function; Missense variants in this gene are a common cause of disease and they are underrepresented in the general population; This variant is associated with the following publications: (PMID: 27439679)

Fulgent Genetics
Classification: Uncertain significance for Muscular dystrophy-dystroglycanopathy (congenital with brain and eye anomalies), type A1; Muscular dystrophy-dystroglycanopathy type B5; Autosomal recessive limb-girdle muscular dystrophy type 2I; Muscular dystrophy-dystroglycanopathy (congenital with brain and eye anomalies), type A5. Last evaluated: 2021-09-30. Review status: criteria provided, single submitter. Criteria: ACMG Guidelines, 2015. Collection method: clinical testing. Allele origin: unknown.

Ambry Genetics
Classification: Uncertain significance for Cardiovascular phenotype. Last evaluated: 2020-03-13. Review status: criteria provided, single submitter. Criteria: Ambry Variant Classification Scheme 2023. Collection method: clinical testing. Allele origin: germline.
Comment: The p.A455S variant (also known as c.1363G>T), located in coding exon 1 of the FKRP gene, results from a G to T substitution at nucleotide position 1363. The alanine at codon 455 is replaced by serine, an amino acid with similar properties. Another alteration affecting the same amino acid, p.A455D (c.1364C>A), has been reported in association with congenital muscular dystrophy (Louhichi N et al. Neurogenetics, 2004 Feb;5:27-34). This amino acid position is highly conserved in available vertebrate species. In addition, the in silico prediction for this alteration is inconclusive. Since supporting evidence is limited at this time, the clinical significance of this alteration remains unclear.

Labcorp Genetics (formerly Invitae), Labcorp
Classification: Uncertain significance for Walker-Warburg congenital muscular dystrophy. Last evaluated: 2020-02-17. Review status: criteria provided, single submitter. Criteria: Invitae Variant Classification Sherloc (09022015). Collection method: clinical testing. Allele origin: germline.
Comment: This sequence change replaces alanine with serine at codon 455 of the FKRP protein (p.Ala455Ser). The alanine residue is moderately conserved and there is a moderate physicochemical difference between alanine and serine. This variant is present in population databases (rs747785577, ExAC 0.003%). This variant has not been reported in the literature in individuals with FKRP-related disease. Algorithms developed to predict the effect of missense changes on protein structure and function are either unavailable or do not agree on the potential impact of this missense change (SIFT: "Tolerated"; PolyPhen-2: "Possibly Damaging"; Align-GVGD: "Class C0"). The p.Ala455 amino acid residue in FKRP has been determined to be clinically significant (PMID: 14652796,¬†15574464,¬†16368217,¬†18671187, 23420653, 23894383). This suggests that variants that disrupt this residue are likely to be causative of disease. In summary, the available evidence is currently insufficient to determine the role of this variant in disease. Therefore, it has been classified as a Variant of Uncertain Significance.

Natera, Inc.
Classification: Uncertain significance for Limb-girdle muscular dystrophy type 2I. Last evaluated: 2020-08-07. Review status: no assertion criteria provided. Collection method: clinical testing. Allele origin: germline. Not counted in ClinVar's aggregate classification.

Literature cited by the submitters: PubMed 14652796 (cited by Ambry Genetics and Labcorp Genetics (formerly Invitae), Labcorp).

NM_024301.5(FKRP):c.1363G>T (p.Ala455Ser)

Gene: FKRP (fukutin related protein; plus strand). Cytogenetic location: 19q13.32.
Variant type: single nucleotide variant.
Coding change: c.1363G>T on transcript NM_024301.5 (MANE Select); coding-DNA position 1363, G replaced by T.
Protein change: p.Ala455Ser; replaces alanine 455 with serine.
Molecular consequence: missense variant.
Genome position (GRCh38, 1-based): chr19:46,756,813, G>T. VCF-style: chr19-46756813-G-T. GRCh37 (hg19) VCF-style: chr19-47260070-G-T.
Other names: c.1363G>T, p.Ala455Ser (NM_001039885.3); short protein forms A455S.
Identifiers: ClinVar variation 577969 (VCV000577969.10), dbSNP rs747785577, ClinGen allele CA9532302.